The following is an entry in ClinVar:

NM_015978.3(TNNI3K):c.668G>A (p.Gly223Asp)

Genes: FPGT-TNNI3K (FPGT-TNNI3K readthrough; plus strand), TNNI3K (TNNI3 interacting kinase; plus strand). Cytogenetic location: 1p31.1.
Variant type: single nucleotide variant.
Coding change: c.668G>A on transcript NM_015978.3 (MANE Select); coding-DNA position 668, G replaced by A.
Protein change: p.Gly223Asp; replaces glycine 223 with aspartic acid.
Molecular consequence: missense variant.
Genome position (GRCh38, 1-based): chr1:74,336,135, G>A. VCF-style: chr1-74336135-G-A. GRCh37 (hg19) VCF-style: chr1-74801819-G-A.
Other names: c.971G>A, p.Gly324Asp (NM_001112808.3, NM_001199327.2); short protein forms G324D, G223D.
Identifiers: ClinVar variation 3679852 (VCV003679852.2).

ClinVar aggregate classification (germline): Uncertain significance (1 of 4 stars; one submission).

Submission:

Labcorp Genetics (formerly Invitae), Labcorp
Classification: Uncertain significance. Last evaluated: 2024-04-03. Review status: criteria provided, single submitter. Criteria: Invitae Variant Classification Sherloc (09022015). Collection method: clinical testing. Allele origin: germline.
Comment: This sequence change replaces glycine, which is neutral and non-polar, with aspartic acid, which is acidic and polar, at codon 223 of the TNNI3K protein (p.Gly223Asp). This variant is not present in population databases (gnomAD no frequency). This variant has not been reported in the literature in individuals affected with TNNI3K-related conditions. Advanced modeling of protein sequence and biophysical properties (such as structural, functional, and spatial information, amino acid conservation, physicochemical variation, residue mobility, and thermodynamic stability) performed at Invitae indicates that this missense variant is not expected to disrupt TNNI3K protein function with a negative predictive value of 80%. In summary, the available evidence is currently insufficient to determine the role of this variant in disease. Therefore, it has been classified as a Variant of Uncertain Significance.